The following is an entry in ClinVar:

NM_001127511.3(APC):c.165+22544A>G

Gene: APC (APC regulator of Wnt signaling pathway; plus strand). Cytogenetic location: 5q22.2.
Variant type: single nucleotide variant.
Coding change: c.165+22544A>G on transcript NM_001127511.3; 22544 bases into the intron after coding-DNA position 165, A replaced by G.
Molecular consequence: intron variant.
Genome position (GRCh38, 1-based): chr5:112,730,426, A>G. VCF-style: chr5-112730426-A-G. GRCh37 (hg19) VCF-style: chr5-112066123-A-G.
Other names: c.-1054+22544A>G (NM_001407470.1, NM_001407472.1); c.-19+22544A>G (NM_001407447.1, NM_001354895.2, NM_001407456.1 and 3 more transcripts); c.165+22544A>G (NM_001407446.1, NM_001354897.2, NM_001354902.2); c.-19+22777A>G (NM_001407448.1, NM_001407450.1, NM_001407457.1 and 1 more transcripts); c.-43+22777A>G (NM_001407453.1).
Identifiers: ClinVar variation 82305 (VCV000082305.4), dbSNP rs78175185, ClinGen allele CA023548.

ClinVar aggregate classification (germline): other (0 of 4 stars; one submission).

Conditions:
Familial colorectal cancer. Identifiers: MedGen CN280943, MONDO:0023113. Disease mechanism: loss of function.

Submission:

Systems Biology Platform Zhejiang California International NanoSystems Institute
Classification: other for Familial colorectal cancer. Review status: no assertion criteria provided. Collection method: not provided. Allele origin: unknown.
ClinVar note: Converted during submission from cancer to other.